The following is an entry in ClinVar:

NM_033380.3(COL4A5):c.469G>T (p.Glu157Ter)

Gene: COL4A5 (collagen type IV alpha 5 chain; plus strand). Cytogenetic location: Xq22.3.
Variant type: single nucleotide variant.
Coding change: c.469G>T on transcript NM_033380.3 (MANE Select); coding-DNA position 469, G replaced by T.
Protein change: p.Glu157Ter; replaces glutamic acid 157 with a stop codon.
Molecular consequence: nonsense.
Genome position (GRCh38, 1-based): chrX:108,573,577, G>T. VCF-style: chrX-108573577-G-T. GRCh37 (hg19) VCF-style: chrX-107816807-G-T.
Other names: NC_000023.10:g.107816807G>T; c.469G>T, p.Glu157Ter (NM_000495.5); short protein forms E157*.
Identifiers: ClinVar variation 1726240 (VCV001726240.3), dbSNP rs2524216449, ClinGen allele CA413920718.

ClinVar aggregate classification (germline): Likely pathogenic (1 of 4 stars; one submission).

Conditions:
X-linked Alport syndrome (ATS1). Also called: NEPHROPATHY AND DEAFNESS, X-LINKED; COL4A5-Related Nephropathy. Identifiers: Orphanet 63, Orphanet 88917, MedGen C4746986, MONDO:0010520, OMIM 301050.

Submissions (2):

Myriad Genetics, Inc.
Classification: Likely pathogenic for X-linked Alport syndrome. Last evaluated: 2022-05-30. Review status: criteria provided, single submitter. Criteria: Myriad Women's Health Autosomal Recessive and X-Linked Classification Criteria (2021). Collection method: clinical testing. Allele origin: unknown.
Comment: NM_000495.4(COL4A5):c.469G>T(E157*) is expected to be pathogenic in the context of X-linked Alport syndrome. This variant is predicted to lead to an abnormal or absent protein product due to the creation of a premature termination codon in COL4A5, a gene where loss-of-function variants are known to be pathogenic. Please note: this variant was assessed in the context of healthy population screening.

Dr. Peter K. Rogan Lab, Western University
No classification provided (evidence only). Condition: Thyroid cancer, nonmedullary, 1. Review status: no classification provided. Collection method: in vitro. Allele origin: not applicable. Functional consequence: retained intron. Not counted in ClinVar's aggregate classification.